The following is an entry in ClinVar:

NM_182931.3(KMT2E):c.271A>T (p.Ile91Leu)

Gene: KMT2E (lysine methyltransferase 2E (inactive); plus strand). Cytogenetic location: 7q22.3.
Variant type: single nucleotide variant.
Coding change: c.271A>T on transcript NM_182931.3 (MANE Select); coding-DNA position 271, A replaced by T.
Protein change: p.Ile91Leu; replaces isoleucine 91 with leucine.
Molecular consequence: missense variant.
Genome position (GRCh38, 1-based): chr7:105,063,435, A>T. VCF-style: chr7-105063435-A-T. GRCh37 (hg19) VCF-style: chr7-104703882-A-T.
Other names: c.271A>T, p.Ile91Leu (NM_001410908.1, NM_018682.4); short protein forms I91L.
Identifiers: ClinVar variation 2054694 (VCV002054694.4), dbSNP rs1013534993, ClinGen allele CA368774519.

ClinVar aggregate classification (germline): Uncertain significance (1 of 4 stars; one submission).

gnomAD v4.1: 1 of 1,613,944 alleles (0.000062%); highest among the groups gnomAD compares: Admixed American, 0.0017%; no homozygotes.

Submission:

Labcorp Genetics (formerly Invitae), Labcorp
Classification: Uncertain significance. Last evaluated: 2023-08-24. Review status: criteria provided, single submitter. Criteria: Invitae Variant Classification Sherloc (09022015). Collection method: clinical testing. Allele origin: germline.
Comment: In summary, the available evidence is currently insufficient to determine the role of this variant in disease. Therefore, it has been classified as a Variant of Uncertain Significance. Advanced modeling of protein sequence and biophysical properties (such as structural, functional, and spatial information, amino acid conservation, physicochemical variation, residue mobility, and thermodynamic stability) performed at Invitae indicates that this missense variant is not expected to disrupt KMT2E protein function. ClinVar contains an entry for this variant (Variation ID: 2054694). This variant has not been reported in the literature in individuals affected with KMT2E-related conditions. This variant is present in population databases (no rsID available, gnomAD 0.003%). This sequence change replaces isoleucine, which is neutral and non-polar, with leucine, which is neutral and non-polar, at codon 91 of the KMT2E protein (p.Ile91Leu).